The following is an entry in ClinVar:

ClinVar aggregate classification (germline): Uncertain significance. Review status: criteria provided, multiple submitters, no conflicts (2 of 4 stars). 3 submissions from 3 submitters: Uncertain significance (3). Last evaluated 2024-02-09.

Allele frequency attached by ClinVar (database versions not stated): gnomAD exomes below 0.00001 and 0.00001; TOPMed below 0.00001; gnomAD 0.00001.
gnomAD v4.1: 8 of 1,613,780 alleles (0.0005%); highest among the groups gnomAD compares: Non-Finnish European, 0.00068%; no homozygotes.

Submissions (3):

Blueprint Genetics
Classification: Uncertain significance. Last evaluated: 2024-02-09. Review status: criteria provided, single submitter. Criteria: ACMG Guidelines, 2015. Collection method: clinical testing. Allele origin: germline.

Labcorp Genetics (formerly Invitae), Labcorp
Classification: Uncertain significance. Last evaluated: 2022-08-16. Review status: criteria provided, single submitter. Criteria: Invitae Variant Classification Sherloc (09022015). Collection method: clinical testing. Allele origin: germline.
Comment: This sequence change replaces alanine, which is neutral and non-polar, with valine, which is neutral and non-polar, at codon 1039 of the ADGRV1 protein (p.Ala1039Val). This variant is not present in population databases (gnomAD no frequency). This variant has not been reported in the literature in individuals affected with ADGRV1-related conditions. ClinVar contains an entry for this variant (Variation ID: 450390). Algorithms developed to predict the effect of missense changes on protein structure and function output the following: SIFT: "Tolerated"; PolyPhen-2: "Probably Damaging"; Align-GVGD: "Class C0". The valine amino acid residue is found in multiple mammalian species, which suggests that this missense change does not adversely affect protein function. In summary, the available evidence is currently insufficient to determine the role of this variant in disease. Therefore, it has been classified as a Variant of Uncertain Significance.

GeneDx
Classification: Uncertain significance. Last evaluated: 2017-07-03. Review status: criteria provided, single submitter. Criteria: GeneDx Variant Classification (06012015). Collection method: clinical testing. Allele origin: germline. Affected: yes.
Comment: The A1039V variant in the ADGRV1 gene has not been reported previously as a pathogenic variant, nor as a benign variant, to our knowledge. The A1039V variant is not observed in large population cohorts (Lek et al., 2016; 1000 Genomes Consortium et al., 2015; Exome Variant Server). The A1039V variant is a conservative amino acid substitution, which is not likely to impact secondary protein structure as these residues share similar properties. In addition, this substitution occurs at a position that is not conserved, and in silico analysis is inconsistent in its predictions as to whether or not the variant is damaging to the protein structure/function. We interpret A1039V as a variant of uncertain significance.

NM_032119.4(ADGRV1):c.3116C>T (p.Ala1039Val)

Gene: ADGRV1 (adhesion G protein-coupled receptor V1; plus strand). Cytogenetic location: 5q14.3.
Variant type: single nucleotide variant.
Coding change: c.3116C>T on transcript NM_032119.4 (MANE Select); coding-DNA position 3116, C replaced by T.
Protein change: p.Ala1039Val; replaces alanine 1039 with valine.
Molecular consequence: missense variant. On other transcripts: non-coding transcript variant (1).
Genome position (GRCh38, 1-based): chr5:90,647,591, C>T. VCF-style: chr5-90647591-C-T. GRCh37 (hg19) VCF-style: chr5-89943408-C-T.
Other names: short protein forms A1039V.
Identifiers: ClinVar variation 450390 (VCV000450390.8), dbSNP rs1338827370, ClinGen allele CA360393373.